The following is an entry in ClinVar:

ClinVar aggregate classification (germline): Uncertain significance (1 of 4 stars; one submission).

Conditions:
Developmental and epileptic encephalopathy 94 (DEE94). Also called: CHD2-Related Neurodevelopmental Disorders; Epileptic encephalopathy, childhood-onset. Identifiers: Orphanet 1942, Orphanet 2382, MedGen C3809278, MONDO:0014150, OMIM 615369.

Allele frequency attached by ClinVar (database versions not stated): gnomAD 0.00001; gnomAD exomes 0.00001 and 0.00003.

Submission:

Labcorp Genetics (formerly Invitae), Labcorp
Classification: Uncertain significance for Developmental and epileptic encephalopathy 94. Last evaluated: 2021-05-26. Review status: criteria provided, single submitter. Criteria: Invitae Variant Classification Sherloc (09022015). Collection method: clinical testing. Allele origin: germline.
Comment: Advanced modeling of protein sequence and biophysical properties (such as structural, functional, and spatial information, amino acid conservation, physicochemical variation, residue mobility, and thermodynamic stability) performed at Invitae indicates that this missense variant is not expected to disrupt CHD2 protein function. In summary, the available evidence is currently insufficient to determine the role of this variant in disease. Therefore, it has been classified as a Variant of Uncertain Significance. This variant has not been reported in the literature in individuals with CHD2-related conditions. This variant is not present in population databases (ExAC no frequency). This sequence change replaces arginine with tryptophan at codon 403 of the CHD2 protein (p.Arg403Trp). The arginine residue is highly conserved and there is a moderate physicochemical difference between arginine and tryptophan.

NM_001271.4(CHD2):c.1207C>T (p.Arg403Trp)

Gene: CHD2 (chromodomain helicase DNA binding protein 2; plus strand). Cytogenetic location: 15q26.1.
Variant type: single nucleotide variant.
Coding change: c.1207C>T on transcript NM_001271.4 (MANE Select); coding-DNA position 1207, C replaced by T.
Protein change: p.Arg403Trp; replaces arginine 403 with tryptophan.
Molecular consequence: missense variant.
Genome position (GRCh38, 1-based): chr15:92,946,046, C>T. VCF-style: chr15-92946046-C-T. GRCh37 (hg19) VCF-style: chr15-93489276-C-T.
Other names: c.1207C>T, p.Arg403Trp (NM_001042572.3); short protein forms R403W.
Identifiers: ClinVar variation 1423024 (VCV001423024.8), dbSNP rs1438580585, ClinGen allele CA393903611.